The following is an entry in ClinVar:

NM_005826.5(HNRNPR):c.332_333del (p.Gln111fs)

Gene: HNRNPR (heterogeneous nuclear ribonucleoprotein R; minus strand). Cytogenetic location: 1p36.12.
Variant type: Deletion.
Coding change: c.332_333del on transcript NM_005826.5 (MANE Select); coding-DNA positions 332 to 333, 2 bases deleted (AG; older notation c.332_333delAG).
Protein change: p.Gln111fs; shifts the reading frame from glutamine 111.
Molecular consequence: frameshift variant.
Genome position (GRCh38, 1-based): chr1:23,337,805-23,337,806, CT deleted on the plus strand (AG on the coding strand, the reverse complement: HNRNPR is on the minus strand). VCF-style (leftmost placement, unchanged base first): chr1-23337804-CCT-C. GRCh37 (hg19) VCF-style: chr1-23664297-CCT-C.
Other names: c.29_30del, p.Gln10fs (NM_001102397.3, NM_001102399.3, NM_001297621.2 and 1 more transcripts); c.332_333del, p.Gln111fs (NM_001102398.3, NM_001297620.2); short protein forms Q10fs, Q111fs.
Identifiers: ClinVar variation 3906508 (VCV003906508.2).

ClinVar aggregate classification (germline): Pathogenic (1 of 4 stars; one submission).

Submission:

GeneDx
Classification: Pathogenic. Last evaluated: 2026-09-30. Review status: criteria provided, single submitter. Criteria: GeneDx Variant Classification Process June 2021. Collection method: clinical testing. Allele origin: germline.
Comment: Frameshift variant predicted to result in protein truncation or nonsense mediated decay in a gene for which loss of function is a known mechanism of disease; Not observed at significant frequency in large population cohorts (gnomAD); Has not been previously published as pathogenic or benign to our knowledge